The following is an entry in ClinVar:

ClinVar aggregate classification (germline): Uncertain significance. Review status: criteria provided, multiple submitters, no conflicts (2 of 4 stars). 2 submissions from 2 submitters: Uncertain significance (2). Last evaluated 2022-11-04.

Conditions:
Cardiovascular phenotype. Identifiers: MedGen CN230736.
Dilated cardiomyopathy 1KK (CMD1KK). Identifiers: Orphanet 154, Orphanet 75249, MedGen C3714995, MONDO:0014100, OMIM 615248.

Allele frequency attached by ClinVar (database versions not stated): gnomAD exomes below 0.00001; TOPMed below 0.00001; gnomAD 0.00001.
gnomAD v4.1: 9 of 1,613,898 alleles (0.00056%); highest among the groups gnomAD compares: Non-Finnish European, 0.00059%; no homozygotes.

Submissions (2):

Ambry Genetics
Classification: Uncertain significance for Cardiovascular phenotype. Last evaluated: 2022-11-04. Review status: criteria provided, single submitter. Criteria: Ambry Variant Classification Scheme 2023. Collection method: clinical testing. Allele origin: germline.
Comment: The p.H667R variant (also known as c.2000A>G), located in coding exon 10 of the MYPN gene, results from an A to G substitution at nucleotide position 2000. The histidine at codon 667 is replaced by arginine, an amino acid with highly similar properties. This amino acid position is highly conserved in available vertebrate species. In addition, the in silico prediction for this alteration is inconclusive. Since supporting evidence is limited at this time, the clinical significance of this alteration remains unclear.

Labcorp Genetics (formerly Invitae), Labcorp
Classification: Uncertain significance for Dilated cardiomyopathy 1KK. Last evaluated: 2022-03-19. Review status: criteria provided, single submitter. Criteria: Invitae Variant Classification Sherloc (09022015). Collection method: clinical testing. Allele origin: germline.
Comment: Algorithms developed to predict the effect of missense changes on protein structure and function (SIFT, PolyPhen-2, Align-GVGD) all suggest that this variant is likely to be tolerated. ClinVar contains an entry for this variant (Variation ID: 864628). This variant has not been reported in the literature in individuals affected with MYPN-related conditions. This variant is not present in population databases (gnomAD no frequency). This sequence change replaces histidine, which is basic and polar, with arginine, which is basic and polar, at codon 667 of the MYPN protein (p.His667Arg). In summary, the available evidence is currently insufficient to determine the role of this variant in disease. Therefore, it has been classified as a Variant of Uncertain Significance.

NM_032578.4(MYPN):c.2000A>G (p.His667Arg)

Gene: MYPN (myopalladin; plus strand). Cytogenetic location: 10q21.3.
Variant type: single nucleotide variant.
Coding change: c.2000A>G on transcript NM_032578.4 (MANE Select); coding-DNA position 2000, A replaced by G.
Protein change: p.His667Arg; replaces histidine 667 with arginine.
Molecular consequence: missense variant. On other transcripts: non-coding transcript variant (2).
Genome position (GRCh38, 1-based): chr10:68,174,092, A>G. VCF-style: chr10-68174092-A-G. GRCh37 (hg19) VCF-style: chr10-69933849-A-G.
Other names: c.2000A>G, p.His667Arg (NM_001256267.2); c.1118A>G, p.His373Arg (NM_001256268.2); short protein forms H373R, H667R.
Identifiers: ClinVar variation 864628 (VCV000864628.12), dbSNP rs2043186027, ClinGen allele CA376843229.